The following is an entry in ClinVar:

NM_001166108.2(PALLD):c.1843C>T (p.Pro615Ser)

Gene: PALLD (palladin, cytoskeletal associated protein; plus strand). Cytogenetic location: 4q32.3.
Variant type: single nucleotide variant.
Coding change: c.1843C>T on transcript NM_001166108.2 (MANE Select); coding-DNA position 1843, C replaced by T.
Protein change: p.Pro615Ser; replaces proline 615 with serine.
Molecular consequence: missense variant.
Genome position (GRCh38, 1-based): chr4:168,711,802, C>T. VCF-style: chr4-168711802-C-T. GRCh37 (hg19) VCF-style: chr4-169632953-C-T.
Other names: c.697C>T, p.Pro233Ser (NM_001166109.2); c.1843C>T, p.Pro615Ser (NM_016081.4); short protein forms P233S, P615S.
Identifiers: ClinVar variation 2448447 (VCV002448447.2), dbSNP rs1454111307, ClinGen allele CA358798457.
Genomic context (GRCh38, chr4:168,711,802, plus strand): 5'-AGCAGGGCAGCCCTTCAAATGCAATTCAATGCTGCTGAGAGGGAAACGAACGGAGTCCAT[C>T]CCAGCCGTGGAGTAAATGGACTGATTAACGGCAAAGCTAACAGTAATAAATCTCTTCCAA-3'
Protein context (NP_001159580.1, residues 605-625): AAERETNGVH[Pro615Ser]SRGVNGLING

ClinVar aggregate classification (germline): Uncertain significance (1 of 4 stars; one submission).

gnomAD v4.1: 1 of 1,614,034 alleles (0.000062%); highest among the groups gnomAD compares: Non-Finnish European, 0.000085%; no homozygotes.

Submission:

Ambry Genetics
Classification: Uncertain significance. Last evaluated: 2022-11-10. Review status: criteria provided, single submitter. Criteria: Ambry Variant Classification Scheme 2023. Collection method: clinical testing. Allele origin: germline.
Comment: The p.P615S variant (also known as c.1843C>T), located in coding exon 9 of the PALLD gene, results from a C to T substitution at nucleotide position 1843. The proline at codon 615 is replaced by serine, an amino acid with similar properties. This amino acid position is conserved. In addition, this alteration is predicted to be tolerated by in silico analysis. Since supporting evidence is limited at this time, the clinical significance of this alteration remains unclear.